The following is an entry in ClinVar:

NM_004225.3(MFHAS1):c.135C>T (p.Ala45=)

Gene: MFHAS1 (multifunctional ROCO family signaling regulator 1). Cytogenetic location: 8p23.1.
Variant type: single nucleotide variant.
Coding change: c.135C>T on transcript NM_004225.3 (MANE Select); coding-DNA position 135, C replaced by T.
Protein change: p.Ala45=; no amino-acid change (alanine 45 retained).
Molecular consequence: synonymous variant.
Genome position (GRCh38, 1-based): chr8:8,892,924, G>A on the plus strand (C>T on the coding strand, the complement: MFHAS1 is on the minus strand). VCF-style: chr8-8892924-G-A. GRCh37 (hg19) VCF-style: chr8-8750434-G-A.
Identifiers: ClinVar variation 3041711 (VCV003041711.2), dbSNP rs367889110, ClinGen allele CA4619591.
Genomic context (GRCh38, chr8:8,892,924, plus strand): 5'-AATGTCCCCGAGGTTGGCCGGCAGCACGAGCTGGGGGGAGGCGGGGGACTCGAGCGCGTC[G>A]GCCCCGGCCCCGGGGCAGGCCCCGGCGGCGGTAAGCGTGAGCTGGCGCAGGTTGCTCCGC-3'
Protein context (NP_004216.2, residues 35-55): TAAGACPGAG[Ala45=]DALESPASPQ

ClinVar aggregate classification (germline): Likely benign (0 of 4 stars; one submission).

Conditions:
MFHAS1-related disorder. Also called: MFHAS1-related condition.

Allele frequency attached by ClinVar (database versions not stated): ExAC 0.00306; ESP Exome Variant Server 0.00526; 1000 Genomes Project 0.00539; 1000 Genomes Project 30x 0.00578; gnomAD 0.00614.
gnomAD v4.1: 1,618 of 1,550,156 alleles (0.1%); highest among the groups gnomAD compares: African/African-American, 2%; 23 homozygotes.

Submission:

PreventionGenetics, part of Exact Sciences
Classification: Likely benign for MFHAS1-related condition. Last evaluated: 2019-04-10. Review status: no assertion criteria provided. Collection method: clinical testing. Allele origin: germline.
Comment: This variant is classified as likely benign based on ACMG/AMP sequence variant interpretation guidelines (Richards et al. 2015 PMID: 25741868, with internal and published modifications).